The following is an entry in ClinVar:

ClinVar aggregate classification (germline): Pathogenic (1 of 4 stars; one submission).

Conditions:
Arrhythmogenic right ventricular dysplasia 9 (ARVD9). Also called: Arrhythmogenic Right Ventricular Dysplasia/Cardiomyopathy 9; ARRHYTHMOGENIC RIGHT VENTRICULAR DYSPLASIA, FAMILIAL, 9. Identifiers: MedGen C1836906, MONDO:0012180, OMIM 609040.

Submission:

Labcorp Genetics (formerly Invitae), Labcorp
Classification: Pathogenic for Arrhythmogenic right ventricular dysplasia 9. Last evaluated: 2019-06-21. Review status: criteria provided, single submitter. Criteria: Invitae Variant Classification Sherloc (09022015). Collection method: clinical testing. Allele origin: germline.
Comment: For these reasons, this variant has been classified as Pathogenic. Loss-of-function variants in PKP2 are known to be pathogenic (PMID: 15489853, 23911551). This variant has not been reported in the literature in individuals with PKP2-related conditions. This variant is not present in population databases (ExAC no frequency). This sequence change creates a premature translational stop signal (p.Ile803Thrfs*12) in the PKP2 gene. It is expected to result in an absent or disrupted protein product.

Literature cited by the submitters: PubMed 15489853; PubMed 23911551.

NM_001005242.3(PKP2):c.2276del (p.Ile759fs)

Gene: PKP2 (plakophilin 2; minus strand). Cytogenetic location: 12p11.21.
Variant type: Deletion.
Coding change: c.2276del on transcript NM_001005242.3 (MANE Select); coding-DNA position 2276, one base deleted (T; older notation c.2276delT).
Protein change: p.Ile759fs; shifts the reading frame from isoleucine 759.
Molecular consequence: frameshift variant.
Genome position (GRCh38, 1-based): chr12:32,796,190, A deleted on the plus strand (T on the coding strand, the reverse complement: PKP2 is on the minus strand). VCF-style (leftmost placement, unchanged base first): chr12-32796189-GA-G. GRCh37 (hg19) VCF-style: chr12-32949123-GA-G.
Other names: c.2408del, p.Ile803fs (NM_004572.4); short protein forms I803fs, I759fs.
Identifiers: ClinVar variation 938367 (VCV000938367.7), dbSNP rs1956120988, ClinGen allele CA1139662560.